The following is an entry in ClinVar:

NM_000494.4(COL17A1):c.3359G>A (p.Gly1120Glu)

Gene: COL17A1 (collagen type XVII alpha 1 chain; minus strand). Cytogenetic location: 10q25.1.
Variant type: single nucleotide variant.
Coding change: c.3359G>A on transcript NM_000494.4 (MANE Select); coding-DNA position 3359, G replaced by A.
Protein change: p.Gly1120Glu; replaces glycine 1120 with glutamic acid.
Molecular consequence: missense variant.
Genome position (GRCh38, 1-based): chr10:104,036,551, C>T on the plus strand (G>A on the coding strand, the complement: COL17A1 is on the minus strand). VCF-style: chr10-104036551-C-T. GRCh37 (hg19) VCF-style: chr10-105796309-C-T.
Other names: short protein forms G1120E.
Identifiers: ClinVar variation 3022580 (VCV003022580.3), dbSNP rs2493286101, ClinGen allele CA378066741.

ClinVar aggregate classification (germline): Uncertain significance (1 of 4 stars; one submission).

Submission:

Labcorp Genetics (formerly Invitae), Labcorp
Classification: Uncertain significance. Last evaluated: 2023-03-29. Review status: criteria provided, single submitter. Criteria: Invitae Variant Classification Sherloc (09022015). Collection method: clinical testing. Allele origin: germline.
Comment: This sequence change replaces glycine, which is neutral and non-polar, with glutamic acid, which is acidic and polar, at codon 1120 of the COL17A1 protein (p.Gly1120Glu). In summary, the available evidence is currently insufficient to determine the role of this variant in disease. Therefore, it has been classified as a Variant of Uncertain Significance. An algorithm developed to predict the effect of missense changes on protein structure and function (PolyPhen-2) suggests that this variant is likely to be disruptive. This variant has not been reported in the literature in individuals affected with COL17A1-related conditions. This variant is not present in population databases (gnomAD no frequency).